The following is an entry in ClinVar:

NM_020987.5(ANK3):c.1375C>T (p.Pro459Ser)

Gene: ANK3 (ankyrin 3; minus strand). Cytogenetic location: 10q21.2.
Variant type: single nucleotide variant.
Coding change: c.1375C>T on transcript NM_020987.5 (MANE Select); coding-DNA position 1375, C replaced by T.
Protein change: p.Pro459Ser; replaces proline 459 with serine.
Molecular consequence: missense variant.
Genome position (GRCh38, 1-based): chr10:60,203,019, G>A on the plus strand (C>T on the coding strand, the complement: ANK3 is on the minus strand). VCF-style: chr10-60203019-G-A. GRCh37 (hg19) VCF-style: chr10-61962777-G-A.
Other names: c.1357C>T, p.Pro453Ser (NM_001204403.2); c.1324C>T, p.Pro442Ser (NM_001204404.2); c.1375C>T, p.Pro459Ser (NM_001320874.2); short protein forms P453S, P459S, P442S.
Identifiers: ClinVar variation 434191 (VCV000434191.10), dbSNP rs749878219, ClinGen allele CA208303092.

ClinVar aggregate classification (germline): Uncertain significance. Review status: criteria provided, multiple submitters, no conflicts (2 of 4 stars). 3 submissions from 3 submitters: Uncertain significance (3). Last evaluated 2023-11-17.

Allele frequency attached by ClinVar (database versions not stated): TOPMed below 0.00001; gnomAD 0.00001.

Submissions (3):

GeneDx
Classification: Uncertain significance. Last evaluated: 2023-11-17. Review status: criteria provided, single submitter. Criteria: GeneDx Variant Classification Process June 2021. Collection method: clinical testing. Allele origin: germline. Affected: yes.
Comment: In silico analysis supports that this missense variant has a deleterious effect on protein structure/function; Has not been previously published as pathogenic or benign to our knowledge

Labcorp Genetics (formerly Invitae), Labcorp
Classification: Uncertain significance. Last evaluated: 2023-11-15. Review status: criteria provided, single submitter. Criteria: Invitae Variant Classification Sherloc (09022015). Collection method: clinical testing. Allele origin: germline.
Comment: This sequence change replaces proline, which is neutral and non-polar, with serine, which is neutral and polar, at codon 459 of the ANK3 protein (p.Pro459Ser). This variant is present in population databases (no rsID available, gnomAD 0.0009%). This variant has not been reported in the literature in individuals affected with ANK3-related conditions. ClinVar contains an entry for this variant (Variation ID: 434191). Advanced modeling of protein sequence and biophysical properties (such as structural, functional, and spatial information, amino acid conservation, physicochemical variation, residue mobility, and thermodynamic stability) performed at Invitae indicates that this missense variant is not expected to disrupt ANK3 protein function with a negative predictive value of 80%. In summary, the available evidence is currently insufficient to determine the role of this variant in disease. Therefore, it has been classified as a Variant of Uncertain Significance.

Genetic Services Laboratory, University of Chicago
Classification: Uncertain significance. Last evaluated: 2016-10-11. Review status: criteria provided, single submitter. Criteria: ACMG Guidelines, 2015. Collection method: clinical testing. Allele origin: germline. Affected: no.